The following is an entry in ClinVar:

ClinVar aggregate classification (germline): Likely pathogenic (1 of 4 stars; one submission).

Submission:

CeGaT Center for Human Genetics Tuebingen
Classification: Likely pathogenic. Last evaluated: 2023-10-01. Review status: criteria provided, single submitter. Criteria: CeGaT Center For Human Genetics Tuebingen Variant Classification Criteria Version 2. Collection method: clinical testing. Allele origin: germline. Affected: yes. Observed: 2 variant alleles.
Comment: CD40LG: PM2, PP4:Moderate, PS4:Moderate

NM_000074.3(CD40LG):c.617T>C (p.Leu206Pro)

Gene: CD40LG (CD40 ligand; plus strand). Cytogenetic location: Xq26.3.
Variant type: single nucleotide variant.
Coding change: c.617T>C on transcript NM_000074.3 (MANE Select); coding-DNA position 617, T replaced by C.
Protein change: p.Leu206Pro; replaces leucine 206 with proline.
Molecular consequence: missense variant.
Genome position (GRCh38, 1-based): chrX:136,659,246, T>C. VCF-style: chrX-136659246-T-C. GRCh37 (hg19) VCF-style: chrX-135741405-T-C.
Other names: short protein forms L206P.
Identifiers: ClinVar variation 2579106 (VCV002579106.25), dbSNP rs2522118239, ClinGen allele CA414756146.